The following is an entry in ClinVar:

NM_001909.5(CTSD):c.977T>C (p.Met326Thr)

Gene: CTSD (cathepsin D; minus strand). Cytogenetic location: 11p15.5.
Variant type: single nucleotide variant.
Coding change: c.977T>C on transcript NM_001909.5 (MANE Select); coding-DNA position 977, T replaced by C.
Protein change: p.Met326Thr; replaces methionine 326 with threonine.
Molecular consequence: missense variant.
Genome position (GRCh38, 1-based): chr11:1,753,897, A>G on the plus strand (T>C on the coding strand, the complement: CTSD is on the minus strand). VCF-style: chr11-1753897-A-G. GRCh37 (hg19) VCF-style: chr11-1775127-A-G.
Other names: short protein forms M326T.
Identifiers: ClinVar variation 588194 (VCV000588194.5), dbSNP rs1565018786, ClinGen allele CA379093409.

ClinVar aggregate classification (germline): Uncertain significance (1 of 4 stars; one submission).

Conditions:
Inborn genetic diseases. Identifiers: MedGen C0950123, MeSH D030342.

Allele frequency attached by ClinVar (database versions not stated): gnomAD exomes below 0.00001.
gnomAD v4.1: 2 of 1,613,360 alleles (0.00012%); highest among the groups gnomAD compares: Non-Finnish European, 0.000085%; no homozygotes.

Submission:

Ambry Genetics
Classification: Uncertain significance for Inborn genetic diseases. Last evaluated: 2016-08-31. Review status: criteria provided, single submitter. Criteria: Ambry Variant Classification Scheme 2023. Collection method: clinical testing. Allele origin: germline.
Comment: The p.M326T variant (also known as c.977T>C), located in coding exon 8 of the CTSD gene, results from a T to C substitution at nucleotide position 977. The methionine at codon 326 is replaced by threonine, an amino acid with similar properties. This variant was not reported in population based cohorts in the following databases: Database of Single Nucleotide Polymorphisms (dbSNP), NHLBI Exome Sequencing Project (ESP), and 1000 Genomes Project. In the ESP, this variant was not observed in 6501 samples (13002 alleles) with coverage at this position. This amino acid position is not well conserved in available vertebrate species. In addition, this alteration is predicted to be tolerated by in silico analysis. Since supporting evidence is limited at this time, the clinical significance of this variant remains unclear.